The following is an entry in ClinVar:

ClinVar aggregate classification (germline): Uncertain significance (1 of 4 stars; one submission).

Conditions:
Cardiovascular phenotype. Identifiers: MedGen CN230736.

Submission:

Ambry Genetics
Classification: Uncertain significance for Cardiovascular phenotype. Last evaluated: 2025-08-20. Review status: criteria provided, single submitter. Criteria: Ambry Variant Classification Scheme 2023. Collection method: clinical testing. Allele origin: germline.
Comment: The p.T973A variant (also known as c.2917A>G), located in coding exon 21 of the LAMA4 gene, results from an A to G substitution at nucleotide position 2917. The threonine at codon 973 is replaced by alanine, an amino acid with similar properties. This amino acid position is not well conserved in available vertebrate species, and alanine is the reference amino acid in other vertebrate species. In addition, this alteration is predicted to be tolerated by in silico analysis. Since supporting evidence is limited at this time, the clinical significance of this alteration remains unclear.

NM_001105206.3(LAMA4):c.2938A>G (p.Thr980Ala)

Gene: LAMA4 (laminin subunit alpha 4; minus strand). Cytogenetic location: 6q21.
Variant type: single nucleotide variant.
Coding change: c.2938A>G on transcript NM_001105206.3 (MANE Select); coding-DNA position 2938, A replaced by G.
Protein change: p.Thr980Ala; replaces threonine 980 with alanine.
Molecular consequence: missense variant.
Genome position (GRCh38, 1-based): chr6:112,140,798, T>C on the plus strand (A>G on the coding strand, the complement: LAMA4 is on the minus strand). VCF-style: chr6-112140798-T-C. GRCh37 (hg19) VCF-style: chr6-112462000-T-C.
Other names: c.2917A>G, p.Thr973Ala (NM_001105207.3, NM_002290.5); short protein forms T973A, T980A.
Identifiers: ClinVar variation 1797635 (VCV001797635.3), dbSNP rs2547024108, ClinGen allele CA365379579.
Genomic context (GRCh38, chr6:112,140,798, plus strand): 5'-AAAATATAGCTGTATGGCTGACCTTGAAGTTGGAAGGCACTCCACCAACATAAAACACTG[T>C]GTCCTCAGGGTCCAGGTCCAGCAGAGAGTCATCTCCCGAAAATTCCCCCTTTTTAATGAA-3'
Protein context (NP_001098676.2, residues 970-990): DSLLDLDPED[Thr980Ala]VFYVGGVPSN